The following is an entry in ClinVar:

NM_022437.3(ABCG8):c.1703A>C (p.Asn568Thr)

Gene: ABCG8 (ATP binding cassette subfamily G member 8; plus strand). Cytogenetic location: 2p21.
Variant type: single nucleotide variant.
Coding change: c.1703A>C on transcript NM_022437.3 (MANE Select); coding-DNA position 1703, A replaced by C.
Protein change: p.Asn568Thr; replaces asparagine 568 with threonine.
Molecular consequence: missense variant.
Genome position (GRCh38, 1-based): chr2:43,875,360, A>C. VCF-style: chr2-43875360-A-C. GRCh37 (hg19) VCF-style: chr2-44102499-A-C.
Other names: c.1700A>C, p.Asn567Thr (NM_001357321.2); short protein forms N567T, N568T.
Identifiers: ClinVar variation 1488384 (VCV001488384.8), dbSNP rs1467158220, ClinGen allele CA346670623.

ClinVar aggregate classification (germline): Uncertain significance (1 of 4 stars; one submission).

Submission:

Labcorp Genetics (formerly Invitae), Labcorp
Classification: Uncertain significance. Last evaluated: 2020-11-24. Review status: criteria provided, single submitter. Criteria: Invitae Variant Classification Sherloc (09022015). Collection method: clinical testing. Allele origin: germline.
Comment: In summary, the available evidence is currently insufficient to determine the role of this variant in disease. Therefore, it has been classified as a Variant of Uncertain Significance. Algorithms developed to predict the effect of missense changes on protein structure and function (SIFT, PolyPhen-2, Align-GVGD) all suggest that this variant is likely to be tolerated, but these predictions have not been confirmed by published functional studies and their clinical significance is uncertain. This variant has not been reported in the literature in individuals with ABCG8-related conditions. This variant is not present in population databases (ExAC no frequency). This sequence change replaces asparagine with threonine at codon 568 of the ABCG8 protein (p.Asn568Thr). The asparagine residue is moderately conserved and there is a small physicochemical difference between asparagine and threonine.